The following is an entry in ClinVar:

ClinVar aggregate classification (germline): Pathogenic (1 of 4 stars; one submission).

Conditions:
EMC1-related disorder. Also called: EMC1-related condition.

Submission:

GeneDx
Classification: Pathogenic. Last evaluated: 2018-06-04. Review status: criteria provided, single submitter. Criteria: GeneDx Variant Classification (06012015). Collection method: clinical testing. Allele origin: germline. Affected: yes.
Comment: The W696X variant in the EMC1 gene has not been reported previously as a pathogenic variant nor as a benign variant, to our knowledge. This variant is predicted to cause loss of normal protein function either through protein truncation or nonsense-mediated mRNA decay. The W696X variant is not observed in large population cohorts (Lek et al., 2016). We interpret W696X as a pathogenic variant.

NM_015047.3(EMC1):c.2087G>A (p.Trp696Ter)

Genes: EMC1 (ER membrane protein complex subunit 1; minus strand), EMC1-AS1 (EMC1 antisense RNA 1; plus strand). Cytogenetic location: 1p36.13.
Variant type: single nucleotide variant.
Coding change: c.2087G>A on transcript NM_015047.3 (MANE Select); coding-DNA position 2087, G replaced by A.
Protein change: p.Trp696Ter; replaces tryptophan 696 with a stop codon.
Molecular consequence: nonsense.
Genome position (GRCh38, 1-based): chr1:19,227,428, C>T on the plus strand (G>A on the coding strand, the complement: EMC1 is on the minus strand). VCF-style: chr1-19227428-C-T. GRCh37 (hg19) VCF-style: chr1-19553922-C-T.
Other names: c.2084G>A, p.Trp695Ter (NM_001271427.2, NM_001271428.2); c.2021G>A, p.Trp674Ter (NM_001271429.2); short protein forms W696*, W674*, W695*.
Identifiers: ClinVar variation 620213 (VCV000620213.3), dbSNP rs1558096194, ClinGen allele CA338757178.
Genomic context (GRCh38, chr1:19,227,428, plus strand): 5'-CTGCTGCGTTTCCCCTTCACCTTGACGATCCGCTGTACTTCTGGGGGAATGGTCAGCTCC[C>T]AACTCAGCTCAGTGGTGAGATCCTAGGGCAGGGGCAAAAAAGCCTGTAATCAGGAGGGTA-3'